The following is an entry in ClinVar:

ClinVar aggregate classification (germline): Uncertain significance (1 of 4 stars; one submission).

Conditions:
Inborn genetic diseases. Identifiers: MedGen C0950123, MeSH D030342.

Submission:

Ambry Genetics
Classification: Uncertain significance for Inborn genetic diseases. Last evaluated: 2021-08-28. Review status: criteria provided, single submitter. Criteria: Ambry Variant Classification Scheme 2023. Collection method: clinical testing. Allele origin: germline.
Comment: The p.E600D variant (also known as c.1800G>T), located in coding exon 12 of the EPAS1 gene, results from a G to T substitution at nucleotide position 1800. The glutamic acid at codon 600 is replaced by aspartic acid, an amino acid with highly similar properties. This amino acid position is conserved. In addition, this alteration is predicted to be tolerated by in silico analysis. Since supporting evidence is limited at this time, the clinical significance of this alteration remains unclear.

NM_001430.5(EPAS1):c.1800G>T (p.Glu600Asp)

Gene: EPAS1 (endothelial PAS domain protein 1; plus strand). Cytogenetic location: 2p21.
Variant type: single nucleotide variant.
Coding change: c.1800G>T on transcript NM_001430.5 (MANE Select); coding-DNA position 1800, G replaced by T.
Protein change: p.Glu600Asp; replaces glutamic acid 600 with aspartic acid.
Molecular consequence: missense variant.
Genome position (GRCh38, 1-based): chr2:46,380,472, G>T. VCF-style: chr2-46380472-G-T. GRCh37 (hg19) VCF-style: chr2-46607611-G-T.
Other names: short protein forms E600D.
Identifiers: ClinVar variation 1780396 (VCV001780396.2), dbSNP rs2103672940, ClinGen allele CA346704912.